The following is an entry in ClinVar:

NM_001271.4(CHD2):c.2755G>A (p.Gly919Arg)

Gene: CHD2 (chromodomain helicase DNA binding protein 2; plus strand). Cytogenetic location: 15q26.1.
Variant type: single nucleotide variant.
Coding change: c.2755G>A on transcript NM_001271.4 (MANE Select); coding-DNA position 2755, G replaced by A.
Protein change: p.Gly919Arg; replaces glycine 919 with arginine.
Molecular consequence: missense variant.
Genome position (GRCh38, 1-based): chr15:92,979,162, G>A. VCF-style: chr15-92979162-G-A. GRCh37 (hg19) VCF-style: chr15-93522392-G-A.
Other names: short protein forms G919R.
Identifiers: ClinVar variation 4537719 (VCV004537719.1).

ClinVar aggregate classification (germline): Uncertain significance (1 of 4 stars; one submission).

Submission:

GeneDx
Classification: Uncertain significance. Last evaluated: 2025-06-11. Review status: criteria provided, single submitter. Criteria: GeneDx Variant Classification Process June 2021. Collection method: clinical testing. Allele origin: germline. Affected: yes.
Comment: Not observed at significant frequency in large population cohorts (gnomAD); In silico analysis supports that this missense variant has a deleterious effect on protein structure/function; Has not been previously published as pathogenic or benign to our knowledge